The following is an entry in ClinVar:

NM_001127222.2(CACNA1A):c.2299C>A (p.Gln767Lys)

Gene: CACNA1A (calcium voltage-gated channel subunit alpha1 A; minus strand). Cytogenetic location: 19p13.13.
Variant type: single nucleotide variant.
Coding change: c.2299C>A on transcript NM_001127222.2 (MANE Select); coding-DNA position 2299, C replaced by A.
Protein change: p.Gln767Lys; replaces glutamine 767 with lysine.
Molecular consequence: missense variant.
Genome position (GRCh38, 1-based): chr19:13,299,334, G>T on the plus strand (C>A on the coding strand, the complement: CACNA1A is on the minus strand). VCF-style: chr19-13299334-G-T. GRCh37 (hg19) VCF-style: chr19-13410148-G-T.
Other names: c.2311C>A, p.Gln771Lys (NM_000068.4, NM_023035.3); c.2302C>A, p.Gln768Lys (NM_001127221.2, NM_001174080.2); short protein forms Q768K, Q771K, Q767K.
Identifiers: ClinVar variation 2940907 (VCV002940907.3), dbSNP rs2512911184, ClinGen allele CA404343762.

ClinVar aggregate classification (germline): Uncertain significance (1 of 4 stars; one submission).

Conditions:
Episodic ataxia type 2 (EA2). Also called: CEREBELLAR ATAXIA, PAROXYSMAL, ACETAZOLAMIDE-RESPONSIVE; CEREBELLOPATHY, HEREDITARY PAROXYSMAL; EPISODIC ATAXIA, NYSTAGMUS-ASSOCIATED; ACETAZOLAMIDE-RESPONSIVE HEREDITARY PAROXYSMAL CEREBELLAR ATAXIA; ATAXIA, EPISODIC, WITH NYSTAGMUS; ATAXIA, FAMILIAL PAROXYSMAL. Identifiers: Orphanet 97, MedGen C1720416, MONDO:0007163, OMIM 108500.
Developmental and epileptic encephalopathy, 42 (DEE42A). Also called: Epileptic encephalopathy, early infantile, 42; DEVELOPMENTAL AND EPILEPTIC ENCEPHALOPATHY 42A; EPILEPTIC ENCEPHALOPATHY, EARLY INFANTILE, 42A. Identifiers: MedGen C4310716, MONDO:0014917, OMIM 617106.

Submission:

Labcorp Genetics (formerly Invitae), Labcorp
Classification: Uncertain significance for Developmental and epileptic encephalopathy, 42; Episodic ataxia type 2. Last evaluated: 2023-03-04. Review status: criteria provided, single submitter. Criteria: Invitae Variant Classification Sherloc (09022015). Collection method: clinical testing. Allele origin: germline.
Comment: In summary, the available evidence is currently insufficient to determine the role of this variant in disease. Therefore, it has been classified as a Variant of Uncertain Significance. Advanced modeling of protein sequence and biophysical properties (such as structural, functional, and spatial information, amino acid conservation, physicochemical variation, residue mobility, and thermodynamic stability) performed at Invitae indicates that this missense variant is not expected to disrupt CACNA1A protein function. This variant has not been reported in the literature in individuals affected with CACNA1A-related conditions. This variant is not present in population databases (gnomAD no frequency). This sequence change replaces glutamine, which is neutral and polar, with lysine, which is basic and polar, at codon 768 of the CACNA1A protein (p.Gln768Lys).